The following is an entry in ClinVar:

ClinVar aggregate classification (germline): Uncertain significance (1 of 4 stars; one submission).

Conditions:
Cardiovascular phenotype. Identifiers: MedGen CN230736.

Allele frequency attached by ClinVar (database versions not stated): ESP Exome Variant Server 0.00008; ExAC 0.00001; gnomAD 0.00001.
gnomAD v4.1: 1 of 1,613,948 alleles (0.000062%); highest among the groups gnomAD compares: African/African-American, 0.0013%; no homozygotes.

Submission:

Ambry Genetics
Classification: Uncertain significance for Cardiovascular phenotype. Last evaluated: 2025-11-10. Review status: criteria provided, single submitter. Criteria: Ambry Variant Classification Scheme 2023. Collection method: clinical testing. Allele origin: germline.
Comment: The p.E1072A variant (also known as c.3215A>C), located in coding exon 20 of the SOS1 gene, results from an A to C substitution at nucleotide position 3215. The glutamic acid at codon 1072 is replaced by alanine, an amino acid with dissimilar properties. This amino acid position is highly conserved in available vertebrate species. In addition, the in silico prediction for this alteration is inconclusive. Based on the available evidence, the clinical significance of this variant remains unclear.

NM_005633.4(SOS1):c.3215A>C (p.Glu1072Ala)

Gene: SOS1 (SOS Ras/Rac guanine nucleotide exchange factor 1; minus strand). Cytogenetic location: 2p22.1.
Variant type: single nucleotide variant.
Coding change: c.3215A>C on transcript NM_005633.4 (MANE Select); coding-DNA position 3215, A replaced by C.
Protein change: p.Glu1072Ala; replaces glutamic acid 1072 with alanine.
Molecular consequence: missense variant.
Genome position (GRCh38, 1-based): chr2:38,995,254, T>G on the plus strand (A>C on the coding strand, the complement: SOS1 is on the minus strand). VCF-style: chr2-38995254-T-G. GRCh37 (hg19) VCF-style: chr2-39222395-T-G.
Other names: c.3194A>C, p.Glu1065Ala (NM_001382394.1); c.3215A>C, p.Glu1072Ala (NM_001382395.1); short protein forms E1072A, E1065A.
Identifiers: ClinVar variation 1728979 (VCV001728979.3), dbSNP rs142342797, ClinGen allele CA1624242.